The following is an entry in ClinVar:

NM_002474.3(MYH11):c.669G>A (p.Pro223=)

Gene: MYH11 (myosin heavy chain 11; minus strand). Cytogenetic location: 16p13.11.
Variant type: single nucleotide variant.
Coding change: c.669G>A on transcript NM_002474.3 (MANE Select); coding-DNA position 669, G replaced by A.
Protein change: p.Pro223=; no amino-acid change (proline 223 retained).
Molecular consequence: synonymous variant.
Genome position (GRCh38, 1-based): chr16:15,782,442, C>T on the plus strand (G>A on the coding strand, the complement: MYH11 is on the minus strand). VCF-style: chr16-15782442-C-T. GRCh37 (hg19) VCF-style: chr16-15876299-C-T.
Other names: c.690G>A, p.Pro230= (NM_001040113.2, NM_001040114.2); c.669G>A, p.Pro223= (NM_022844.3).
Identifiers: ClinVar variation 238265 (VCV000238265.31), dbSNP rs562249787, ClinGen allele CA7922853.

ClinVar aggregate classification (germline): Likely benign. Review status: criteria provided, multiple submitters, no conflicts (2 of 4 stars). 6 submissions from 6 submitters: Likely benign (6). Last evaluated 2026-06-25.

Conditions:
MYH11-related disorder. Also called: MYH11-related condition.
Aortic aneurysm, familial thoracic 4 (AAT4). Also called: AORTIC ANEURYSM/AORTIC DISSECTION AND PATENT DUCTUS ARTERIOSUS. Identifiers: MedGen C1851504, MONDO:0007568, OMIM 132900.
Familial thoracic aortic aneurysm and aortic dissection (TAAD). Also called: Thoracic aortic aneurysms and dissections. Identifiers: Orphanet 91387, MedGen C4707243, MONDO:0019625.

Allele frequency attached by ClinVar (database versions not stated): gnomAD 0.00001; TOPMed 0.00002; ExAC 0.00008; 1000 Genomes Project 30x 0.00016.
gnomAD v4.1: 76 of 1,614,142 alleles (0.0047%); highest among the groups gnomAD compares: South Asian, 0.055%; 2 homozygotes.

Submissions (6):

PreventionGenetics, part of Exact Sciences
Classification: Likely benign for MYH11-related condition. Last evaluated: 2026-06-25. Review status: criteria provided, single submitter. Criteria: ACMG Guidelines, 2015. Collection method: clinical testing. Allele origin: germline.
Comment: This variant is classified as likely benign based on ACMG/AMP sequence variant interpretation guidelines (Richards et al. 2015 PMID: 25741868, with internal and published modifications).

CeGaT Center for Human Genetics Tuebingen
Classification: Likely benign. Last evaluated: 2026-06-01. Review status: criteria provided, single submitter. Criteria: CeGaT Center For Human Genetics Tuebingen Variant Classification Criteria Version 2. Collection method: clinical testing. Allele origin: germline. Affected: yes. Observed: 2 variant alleles.
Comment: MYH11: BP4, BP7

Labcorp Genetics (formerly Invitae), Labcorp
Classification: Likely benign for Aortic aneurysm, familial thoracic 4. Last evaluated: 2026-01-04. Review status: criteria provided, single submitter. Criteria: Invitae Variant Classification Sherloc (09022015). Collection method: clinical testing. Allele origin: germline.

All of Us Research Program, National Institutes of Health
Classification: Likely benign for Familial thoracic aortic aneurysm and aortic dissection. Last evaluated: 2023-12-18. Review status: criteria provided, single submitter. Criteria: ACMG Guidelines, 2015. Collection method: clinical testing. Allele origin: germline. Inheritance: Autosomal dominant inheritance. Observed: 5 variant alleles, 5 heterozygotes.
Comment: This study involves interpretation of variants in research participants for the purpose of population health screening. Participant phenotype was not available at the time of variant classification. Additional details can be found in publication PMID: 35346344, PMCID: PMC8962531

Ambry Genetics
Classification: Likely benign for Familial thoracic aortic aneurysm and aortic dissection. Last evaluated: 2019-05-16. Review status: criteria provided, single submitter. Criteria: Ambry Variant Classification Scheme 2023. Collection method: clinical testing. Allele origin: germline.

Color Diagnostics, LLC DBA Color Health
Classification: Likely benign for Familial thoracic aortic aneurysm and aortic dissection. Last evaluated: 2019-02-21. Review status: criteria provided, single submitter. Criteria: ACMG Guidelines, 2015. Collection method: clinical testing. Allele origin: germline.